The following is an entry in ClinVar:

NM_001843.4(CNTN1):c.1950A>C (p.Lys650Asn)

Gene: CNTN1 (contactin 1; plus strand). Cytogenetic location: 12q12.
Variant type: single nucleotide variant.
Coding change: c.1950A>C on transcript NM_001843.4 (MANE Select); coding-DNA position 1950, A replaced by C.
Protein change: p.Lys650Asn; replaces lysine 650 with asparagine.
Molecular consequence: missense variant.
Genome position (GRCh38, 1-based): chr12:40,981,054, A>C. VCF-style: chr12-40981054-A-C. GRCh37 (hg19) VCF-style: chr12-41374856-A-C.
Other names: c.1917A>C, p.Lys639Asn (NM_175038.2); short protein forms K639N, K650N.
Identifiers: ClinVar variation 1524766 (VCV001524766.5), dbSNP rs1393458031, ClinGen allele CA384586044.

ClinVar aggregate classification (germline): Uncertain significance (1 of 4 stars; one submission).

Conditions:
Compton-North congenital myopathy (CMYO12). Identifiers: Orphanet 210163, MedGen C2675527, MONDO:0012929, OMIM 612540.

Allele frequency attached by ClinVar (database versions not stated): gnomAD exomes below 0.00001; gnomAD 0.00001; TOPMed 0.00001.
gnomAD v4.1: 14 of 1,612,818 alleles (0.00087%); highest among the groups gnomAD compares: Non-Finnish European, 0.0012%; no homozygotes.

Submission:

Labcorp Genetics (formerly Invitae), Labcorp
Classification: Uncertain significance for Compton-North congenital myopathy. Last evaluated: 2021-08-27. Review status: criteria provided, single submitter. Criteria: Invitae Variant Classification Sherloc (09022015). Collection method: clinical testing. Allele origin: germline.
Comment: This sequence change replaces lysine with asparagine at codon 650 of the CNTN1 protein (p.Lys650Asn). The lysine residue is highly conserved and there is a moderate physicochemical difference between lysine and asparagine. This variant is not present in population databases (ExAC no frequency). This variant has not been reported in the literature in individuals affected with CNTN1-related conditions. Advanced modeling of protein sequence and biophysical properties (such as structural, functional, and spatial information, amino acid conservation, physicochemical variation, residue mobility, and thermodynamic stability) performed at Invitae indicates that this missense variant is not expected to disrupt CNTN1 protein function. In summary, the available evidence is currently insufficient to determine the role of this variant in disease. Therefore, it has been classified as a Variant of Uncertain Significance.